The following is an entry in ClinVar:

ClinVar aggregate classification (germline): Benign (3 of 4 stars; one submission).

Conditions:
Breast-ovarian cancer, familial, susceptibility to, 2 (BROVCA2). Also called: BRCA2 Hereditary Breast and Ovarian Cancer. Identifiers: Orphanet 145, MedGen C2675520, MONDO:0012933, OMIM 612555. Disease mechanism: loss of function.

Allele frequency attached by ClinVar (database versions not stated): gnomAD 0.03682 and 0.04088; TOPMed 0.04218; 1000 Genomes Project 30x 0.07370; 1000 Genomes Project 0.07388.
gnomAD v4.1: 6,226 of 152,302 alleles (4.1%); highest among the groups gnomAD compares: South Asian, 11%; 220 homozygotes.

Submission:

Evidence-based Network for the Interpretation of Germline Mutant Alleles (ENIGMA)
Classification: Benign for Breast-ovarian cancer, familial 2. Last evaluated: 2015-01-12. Review status: reviewed by expert panel. Criteria: ENIGMA BRCA1/2 Classification Criteria (2015). Collection method: curation. Allele origin: germline.
Comment: Class 1 not pathogenic based on frequency >1% in an outbred sampleset. Frequency 0.1049 (Asian), 0.01423 (African), 0.03694 (European), derived from 1000 genomes (2012-04-30).

NM_000059.4(BRCA2):c.317-2491C>T

Gene: BRCA2 (BRCA2 DNA repair associated; plus strand). Cytogenetic location: 13q13.1.
Variant type: single nucleotide variant.
Coding change: c.317-2491C>T on transcript NM_000059.4 (MANE Select); 2491 bases into the intron before coding-DNA position 317, C replaced by T.
Molecular consequence: intron variant.
Genome position (GRCh38, 1-based): chr13:32,322,585, C>T. VCF-style: chr13-32322585-C-T. GRCh37 (hg19) VCF-style: chr13-32896722-C-T.
Other names: IVS 3-2491C>T.
Identifiers: ClinVar variation 209634 (VCV000209634.1), dbSNP rs11571598, ClinGen allele CA276603.
Genomic context (GRCh38, chr13:32,322,585, plus strand): 5'-TTAAGGCACAGGTCGCTCATGATAGTTTGTGGTTTAAGAACGCCTTTAAGCGGTTTTCTG[C>T]CCCGGGTGGGCCAGGTGTTCCTTGCCCTCATTCCGGTAAACCCACAAGCTTCCAGCGTGG-3'